The following is an entry in ClinVar:

NM_000152.5(GAA):c.355G>T (p.Gly119Ter)

Gene: GAA (alpha glucosidase; plus strand). Cytogenetic location: 17q25.3.
Variant type: single nucleotide variant.
Coding change: c.355G>T on transcript NM_000152.5 (MANE Select); coding-DNA position 355, G replaced by T.
Protein change: p.Gly119Ter; replaces glycine 119 with a stop codon.
Molecular consequence: nonsense.
Genome position (GRCh38, 1-based): chr17:80,104,941, G>T. VCF-style: chr17-80104941-G-T. GRCh37 (hg19) VCF-style: chr17-78078740-G-T.
Other names: c.355G>T, p.Gly119Ter (NM_001079803.3, NM_001079804.3); short protein forms G119*.
Identifiers: ClinVar variation 1454364 (VCV001454364.7), dbSNP rs1555598802, ClinGen allele CA401360871.

ClinVar aggregate classification (germline): Pathogenic/Likely pathogenic. Review status: criteria provided, multiple submitters, no conflicts (2 of 4 stars). 2 submissions from 2 submitters: Pathogenic (1); Likely pathogenic (1). Last evaluated 2023-12-26.

Conditions:
Glycogen storage disease, type II (IOPD). Also called: Glucosidase acid-1,4-alpha deficiency; GLYCOGENOSIS, GENERALIZED, CARDIAC FORM; GSD II; POMPE DISEASE, INFANTILE-ONSET; Pompe Disease; Glycogen storage disease type 2. Identifiers: Orphanet 365, MedGen C0017921, MONDO:0009290, OMIM 232300.

gnomAD v4.1: 1 of 1,612,422 alleles (0.000062%); highest among the groups gnomAD compares: Non-Finnish European, 0.000085%; no homozygotes.

Submissions (2):

Baylor Genetics
Classification: Likely pathogenic for Glycogen storage disease, type II. Last evaluated: 2023-12-26. Review status: criteria provided, single submitter. Criteria: ACMG Guidelines, 2015. Collection method: clinical testing. Allele origin: unknown.

Labcorp Genetics (formerly Invitae), Labcorp
Classification: Pathogenic for Glycogen storage disease, type II. Last evaluated: 2020-12-19. Review status: criteria provided, single submitter. Criteria: Invitae Variant Classification Sherloc (09022015). Collection method: clinical testing. Allele origin: germline.
Comment: For these reasons, this variant has been classified as Pathogenic. Algorithms developed to predict the effect of sequence changes on RNA splicing suggest that this variant may create or strengthen a splice site, but this prediction has not been confirmed by published transcriptional studies. This variant has not been reported in the literature in individuals with GAA-related conditions. This variant is not present in population databases (ExAC no frequency). This sequence change creates a premature translational stop signal (p.Gly119*) in the GAA gene. It is expected to result in an absent or disrupted protein product. Loss-of-function variants in GAA are known to be pathogenic (PMID: 18425781, 22252923).

Literature cited by the submitters: PubMed 18425781 (cited by Labcorp Genetics (formerly Invitae), Labcorp); PubMed 22252923 (cited by Labcorp Genetics (formerly Invitae), Labcorp).